The following is an entry in ClinVar:

ClinVar aggregate classification (germline): Conflicting classifications of pathogenicity. Review status: criteria provided, conflicting classifications (1 of 4 stars). 2 submissions from 2 submitters: Likely pathogenic (1); Uncertain significance (1). Last evaluated 2026-05-29.

Conditions:
CYP21A2-related disorder. Also called: CYP21A2-related condition.
21-Hydroxylase-Deficient Congenital Adrenal Hyperplasia. Also called: ADRENAL HYPERPLASIA, CONGENITAL, DUE TO 21-HYDROXYLASE DEFICIENCY; ADRENAL HYPERPLASIA III. Identifiers: MedGen C2936858, OMIM 201910.

gnomAD v4.1: 1 of 1,613,612 alleles (0.000062%); highest among the groups gnomAD compares: South Asian, 0.0011%; no homozygotes.

Submissions (2):

PreventionGenetics, part of Exact Sciences
Classification: Likely pathogenic for CYP21A2-related condition. Last evaluated: 2026-05-29. Review status: criteria provided, single submitter. Criteria: ACMG Guidelines, 2015. Collection method: clinical testing. Allele origin: germline.
Comment: The CYP21A2 c.1087G>C variant is predicted to result in the amino acid substitution p.Ala363Pro. This variant has been reported with the pathogenic variant c.293-13C>G in an individual with salt-wasting (SW) congenital adrenal hyperplasia (CAH) (Saraf et al. 2022. PubMed ID: 35094236). This variant has not been reported in a large population database (gnomAD), indicating that it is rare. This variant falls within a highly paralogous region. Allele frequency data should be interpreted with caution. Of note, a different missense substitution at the same amino acid position (p.Ala363Val) has been reported to be causative and associated with SW-CAH due to absence of residual enzyme activity (in vitro assay in Ohlsson et al. 1999. PubMed ID: 10408778; crystal structure study in Zhao et al. 2012. PubMed ID: 22262854; in silico evaluation in Haider et al. 2013. PubMed ID: 23359706). Taken together, the c.1087G>C (p.Ala363Pro) variant is interpreted as likely pathogenic and is likely associated with SW-CAH.

Institute of Medical Genetics and Genomics, Sir Ganga Ram Hospital
Classification: Uncertain significance for 21-Hydroxylase-Deficient Congenital Adrenal Hyperplasia. Last evaluated: 2021-03-10. Review status: criteria provided, single submitter. Criteria: ACMG Guidelines, 2015. Collection method: clinical testing. Allele origin: germline. Affected: yes. Observed: 1 variant allele.
Comment: This variant found in trans with with c.293-13C>G variant of CYP21A2 gene

Literature cited by the submitters: PubMed 23359698 (cited by Institute of Medical Genetics and Genomics, Sir Ganga Ram Hospital); PubMed 33552137 (cited by Institute of Medical Genetics and Genomics, Sir Ganga Ram Hospital); PubMed 30611409 (cited by Institute of Medical Genetics and Genomics, Sir Ganga Ram Hospital); PubMed 29035424 (cited by Institute of Medical Genetics and Genomics, Sir Ganga Ram Hospital).

NM_000500.9(CYP21A2):c.1087G>C (p.Ala363Pro)

Genes: CYP21A2 (cytochrome P450 family 21 subfamily A member 2; plus strand), LOC106780800 (CYP21A2 recombination region; plus strand). Cytogenetic location: 6p21.33.
Variant type: single nucleotide variant.
Coding change: c.1087G>C on transcript NM_000500.9 (MANE Select); coding-DNA position 1087, G replaced by C.
Protein change: p.Ala363Pro; replaces alanine 363 with proline.
Molecular consequence: missense variant.
Genome position (GRCh38, 1-based): chr6:32,040,553, G>C. VCF-style: chr6-32040553-G-C. GRCh37 (hg19) VCF-style: chr6-32008330-G-C.
Other names: Ala363Pro; c.997G>C, p.Ala333Pro (NM_001128590.4); c.682G>C, p.Ala228Pro (NM_001368143.2, NM_001368144.2); c.1087G>C (NM_000500.7); short protein forms A228P, A333P, A363P.
Identifiers: ClinVar variation 1675314 (VCV001675314.3), dbSNP rs2151875445, ClinGen allele CA363511137.